The following is an entry in ClinVar:

NM_024642.5(GALNT12):c.887T>C (p.Ile296Thr)

Gene: GALNT12 (polypeptide N-acetylgalactosaminyltransferase 12; plus strand). Cytogenetic location: 9q22.33.
Variant type: single nucleotide variant.
Coding change: c.887T>C on transcript NM_024642.5 (MANE Select); coding-DNA position 887, T replaced by C.
Protein change: p.Ile296Thr; replaces isoleucine 296 with threonine.
Molecular consequence: missense variant.
Genome position (GRCh38, 1-based): chr9:98,831,927, T>C. VCF-style: chr9-98831927-T-C. GRCh37 (hg19) VCF-style: chr9-101594209-T-C.
Other names: short protein forms I296T.
Identifiers: ClinVar variation 1764967 (VCV001764967.2), dbSNP rs2490518404, ClinGen allele CA374218330.

ClinVar aggregate classification (germline): Uncertain significance (1 of 4 stars; one submission).

Submission:

Ambry Genetics
Classification: Uncertain significance. Last evaluated: 2022-10-19. Review status: criteria provided, single submitter. Criteria: Ambry Variant Classification Scheme 2023. Collection method: clinical testing. Allele origin: germline.
Comment: The p.I296T variant (also known as c.887T>C), located in coding exon 4 of the GALNT12 gene, results from a T to C substitution at nucleotide position 887. The isoleucine at codon 296 is replaced by threonine, an amino acid with similar properties. This amino acid position is conserved. In addition, this alteration is predicted to be tolerated by in silico analysis. Since supporting evidence is limited at this time, the clinical significance of this alteration remains unclear.